The following is an entry in ClinVar:

ClinVar aggregate classification (germline): Uncertain significance (1 of 4 stars; one submission).

Conditions:
Myofibrillar myopathy 8. Identifiers: MedGen C4310645, MONDO:0014993, OMIM 617258.

Allele frequency attached by ClinVar (database versions not stated): TOPMed 0.00001.
gnomAD v4.1: 2 of 1,528,468 alleles (0.00013%); highest among the groups gnomAD compares: Admixed American, 0.0018%; no homozygotes.

Submission:

Illumina Laboratory Services, Illumina
Classification: Uncertain significance for Myofibrillar myopathy 8. Last evaluated: 2020-10-27. Review status: criteria provided, single submitter. Criteria: ICSLVariantClassificationCriteria RUGD 01 April 2020. Collection method: clinical testing. Allele origin: unknown.
Comment: The PYROXD1 c.750+5C>A variant is a splice region variant. A literature search was performed for the gene and cDNA change. No publications were found based on this search. Multiple computational predictions do not predict that this variant will result in abnormal splicing. This variant is not found in the Genome Aggregation Database in a region of good sequence coverage, so the variant is presumed to be rare. Based on the available evidence, the c.750+5C>A variant is classified as a variant of uncertain significance for PYROXD1-related myofibrillar myopathy.

NM_024854.5(PYROXD1):c.750+5C>A

Gene: PYROXD1 (pyridine nucleotide-disulphide oxidoreductase domain 1; plus strand). Cytogenetic location: 12p12.1.
Variant type: single nucleotide variant.
Coding change: c.750+5C>A on transcript NM_024854.5 (MANE Select); 5 bases into the intron after coding-DNA position 750, C replaced by A.
Molecular consequence: intron variant.
Genome position (GRCh38, 1-based): chr12:21,456,100, C>A. VCF-style: chr12-21456100-C-A. GRCh37 (hg19) VCF-style: chr12-21609034-C-A.
Other names: c.-28+5C>A (NM_001350913.2); c.537+5C>A (NM_001350912.2).
Identifiers: ClinVar variation 3062079 (VCV003062079.1), dbSNP rs745549091, ClinGen allele CA233548482.
Genomic context (GRCh38, chr12:21,456,100, plus strand): 5'-GAAGTGCATTGGGACCAGATTGGCATGAAGGCTTGAATCTTAAAGGAACAAAAGAGGTAT[C>A]TTTTCATATACTAATTGGTCATGTCTAAATGTAATTTTAAATTCTTGAACCATTTATTAA-3'